The following is an entry in ClinVar:

NM_000400.4(ERCC2):c.1853T>G (p.Val618Gly)

Gene: ERCC2 (ERCC excision repair 2, TFIIH core complex helicase subunit; minus strand). Cytogenetic location: 19q13.32.
Variant type: single nucleotide variant.
Coding change: c.1853T>G on transcript NM_000400.4 (MANE Select); coding-DNA position 1853, T replaced by G.
Protein change: p.Val618Gly; replaces valine 618 with glycine.
Molecular consequence: missense variant.
Genome position (GRCh38, 1-based): chr19:45,352,795, A>C on the plus strand (T>G on the coding strand, the complement: ERCC2 is on the minus strand). VCF-style: chr19-45352795-A-C. GRCh37 (hg19) VCF-style: chr19-45856053-A-C.
Other names: short protein forms V618G.
Identifiers: ClinVar variation 1781379 (VCV001781379.2), dbSNP rs2514000256, ClinGen allele CA406363874.
Genomic context (GRCh38, chr19:45,352,795, plus strand): 5'-GAGCTACTCACCTTGAGAATGCGGCTCTGTGTGTAGACGTAGGGGACGCCAAACATGATG[A>C]CGGCCCGCCCGTAGTGGTGCACTGGTGGGCAGAGGAGAGGGGGCGAGGGGGGTTACAAGT-3'
Protein context (NP_000391.1, residues 608-628): IDFVHHYGRA[Val618Gly]IMFGVPYVYT

ClinVar aggregate classification (germline): Uncertain significance (1 of 4 stars; one submission).

Conditions:
Inborn genetic diseases. Identifiers: MedGen C0950123, MeSH D030342.

Submission:

Ambry Genetics
Classification: Uncertain significance for Inborn genetic diseases. Last evaluated: 2021-12-11. Review status: criteria provided, single submitter. Criteria: Ambry Variant Classification Scheme 2023. Collection method: clinical testing. Allele origin: germline.
Comment: The p.V618G variant (also known as c.1853T>G), located in coding exon 20 of the ERCC2 gene, results from a T to G substitution at nucleotide position 1853. The valine at codon 618 is replaced by glycine, an amino acid with dissimilar properties. This amino acid position is conserved. In addition, this alteration is predicted to be deleterious by in silico analysis. Since supporting evidence is limited at this time, the clinical significance of this alteration remains unclear.